The following is an entry in ClinVar:

ClinVar aggregate classification (germline): Uncertain significance. Review status: criteria provided, multiple submitters, no conflicts (2 of 4 stars). 2 submissions from 2 submitters: Uncertain significance (2). Last evaluated 2022-07-05.

gnomAD v4.1: 54 of 1,613,966 alleles (0.0033%); highest among the groups gnomAD compares: Non-Finnish European, 0.0045%; no homozygotes.

Submissions (2):

Labcorp Genetics (formerly Invitae), Labcorp
Classification: Uncertain significance. Last evaluated: 2022-07-05. Review status: criteria provided, single submitter. Criteria: Invitae Variant Classification Sherloc (09022015). Collection method: clinical testing. Allele origin: germline.
Comment: This sequence change replaces glycine, which is neutral and non-polar, with tryptophan, which is neutral and slightly polar, at codon 238 of the GNPTG protein (p.Gly238Trp). This variant is present in population databases (rs762827756, gnomAD 0.004%). This variant has not been reported in the literature in individuals affected with GNPTG-related conditions. Algorithms developed to predict the effect of missense changes on protein structure and function are either unavailable or do not agree on the potential impact of this missense change (SIFT: "Deleterious"; PolyPhen-2: "Possibly Damaging"; Align-GVGD: "Class C0"). In summary, the available evidence is currently insufficient to determine the role of this variant in disease. Therefore, it has been classified as a Variant of Uncertain Significance.

Blueprint Genetics
Classification: Uncertain significance. Last evaluated: 2020-05-11. Review status: criteria provided, single submitter. Criteria: ACMG Guidelines, 2015. Collection method: clinical testing. Allele origin: germline.

NM_032520.5(GNPTG):c.712G>T (p.Gly238Trp)

Gene: GNPTG (N-acetylglucosamine-1-phosphate transferase subunit gamma; plus strand). Cytogenetic location: 16p13.3.
Variant type: single nucleotide variant.
Coding change: c.712G>T on transcript NM_032520.5 (MANE Select); coding-DNA position 712, G replaced by T.
Protein change: p.Gly238Trp; replaces glycine 238 with tryptophan.
Molecular consequence: missense variant.
Genome position (GRCh38, 1-based): chr16:1,362,713, G>T. VCF-style: chr16-1362713-G-T. GRCh37 (hg19) VCF-style: chr16-1412714-G-T.
Other names: short protein forms G238W.
Identifiers: ClinVar variation 2142106 (VCV002142106.2), dbSNP rs762827756, ClinGen allele CA7807894.